The following is an entry in ClinVar:

NM_006642.5(SDCCAG8):c.998A>T (p.Glu333Val)

Gene: SDCCAG8 (SHH signaling and ciliogenesis regulator SDCCAG8; plus strand). Cytogenetic location: 1q43.
Variant type: single nucleotide variant.
Coding change: c.998A>T on transcript NM_006642.5 (MANE Select); coding-DNA position 998, A replaced by T.
Protein change: p.Glu333Val; replaces glutamic acid 333 with valine.
Molecular consequence: missense variant.
Genome position (GRCh38, 1-based): chr1:243,316,823, A>T. VCF-style: chr1-243316823-A-T. GRCh37 (hg19) VCF-style: chr1-243480125-A-T.
Other names: c.95A>T, p.Glu32Val (NM_001350246.2, NM_001350247.2, NM_001350251.2); c.1094A>T, p.Glu365Val (NM_001350248.2); c.704A>T, p.Glu235Val (NM_001350249.2); short protein forms E365V, E235V, E333V, E32V.
Identifiers: ClinVar variation 1481086 (VCV001481086.8), dbSNP rs2149331580, ClinGen allele CA345480780.

ClinVar aggregate classification (germline): Uncertain significance (1 of 4 stars; one submission).

Conditions:
Senior-Loken syndrome 7 (SLSN7). Identifiers: Orphanet 3156, MedGen C3150877, MONDO:0013326, OMIM 613615.
Bardet-Biedl syndrome 16 (BBS16). Identifiers: Orphanet 110, MedGen C3889474, MONDO:0014444, OMIM 615993.

Submission:

Labcorp Genetics (formerly Invitae), Labcorp
Classification: Uncertain significance for Bardet-Biedl syndrome 16; Senior-Loken syndrome 7. Last evaluated: 2022-10-05. Review status: criteria provided, single submitter. Criteria: Invitae Variant Classification Sherloc (09022015). Collection method: clinical testing. Allele origin: germline.
Comment: ClinVar contains an entry for this variant (Variation ID: 1481086). This variant has not been reported in the literature in individuals affected with SDCCAG8-related conditions. In summary, the available evidence is currently insufficient to determine the role of this variant in disease. Therefore, it has been classified as a Variant of Uncertain Significance. Algorithms developed to predict the effect of sequence changes on RNA splicing suggest that this variant may disrupt the consensus splice site. Advanced modeling of protein sequence and biophysical properties (such as structural, functional, and spatial information, amino acid conservation, physicochemical variation, residue mobility, and thermodynamic stability) performed at Invitae indicates that this missense variant is expected to disrupt SDCCAG8 protein function. This variant is not present in population databases (gnomAD no frequency). This sequence change replaces glutamic acid, which is acidic and polar, with valine, which is neutral and non-polar, at codon 333 of the SDCCAG8 protein (p.Glu333Val).